The following is an entry in ClinVar:

NM_001009944.3(PKD1):c.4340C>T (p.Ala1447Val)

Gene: PKD1 (polycystin 1, transient receptor potential channel interacting; minus strand). Cytogenetic location: 16p13.3.
Variant type: single nucleotide variant.
Coding change: c.4340C>T on transcript NM_001009944.3 (MANE Select); coding-DNA position 4340, C replaced by T.
Protein change: p.Ala1447Val; replaces alanine 1447 with valine.
Molecular consequence: missense variant.
Genome position (GRCh38, 1-based): chr16:2,110,827, G>A on the plus strand (C>T on the coding strand, the complement: PKD1 is on the minus strand). VCF-style: chr16-2110827-G-A. GRCh37 (hg19) VCF-style: chr16-2160828-G-A.
Other names: c.4340C>T, p.Ala1447Val (NM_000296.4); short protein forms A1447V.
Identifiers: ClinVar variation 3043132 (VCV003043132.3), dbSNP rs76981724, ClinGen allele CA7832404.

ClinVar aggregate classification (germline): Likely benign. Review status: criteria provided, single submitter (1 of 4 stars). 2 submissions from 2 submitters: Likely benign (1). 1 of the submissions does not count toward it. Last evaluated 2024-07-03.

Conditions:
PKD1-related disorder. Also called: PKD1-related condition.

Allele frequency attached by ClinVar (database versions not stated): gnomAD exomes 0.00012; gnomAD 0.00015; TOPMed 0.00033; 1000 Genomes Project 0.00040; ExAC 0.00040; 1000 Genomes Project 30x 0.00047.
gnomAD v4.1: 193 of 1,611,710 alleles (0.012%); highest among the groups gnomAD compares: East Asian, 0.39%; 2 homozygotes.

Submissions (2):

Blueprint Genetics
Classification: Likely benign. Last evaluated: 2024-07-03. Review status: criteria provided, single submitter. Criteria: ACMG Guidelines, 2015. Collection method: clinical testing. Allele origin: germline.

PreventionGenetics, part of Exact Sciences
Classification: Likely benign for PKD1-related condition. Last evaluated: 2019-10-17. Review status: no assertion criteria provided. Collection method: clinical testing. Allele origin: germline. Not counted in ClinVar's aggregate classification.
Comment: This variant is classified as likely benign based on ACMG/AMP sequence variant interpretation guidelines (Richards et al. 2015 PMID: 25741868, with internal and published modifications).